The following is an entry in ClinVar:

ClinVar aggregate classification (germline): Uncertain significance (1 of 4 stars; one submission).

Conditions:
Epidermolysis bullosa simplex 5C, with pyloric atresia (EBS5C). Also called: PLEC-Related Epidermolysis Bullosa with Pyloric Atresia; Epidermolysis bullosa simplex with pyloric atresia; PLEC1-Related Epidermolysis Bullosa with Pyloric Atresia. Identifiers: Orphanet 158684, MedGen C2677349, MONDO:0012807, OMIM 612138.
Epidermolysis bullosa simplex 5B, with muscular dystrophy (EBS5B). Also called: Epidermolysis bullosa simplex with muscular dystrophy; EPIDERMOLYSIS BULLOSA SIMPLEX AND LIMB-GIRDLE MUSCULAR DYSTROPHY. Identifiers: Orphanet 257, MedGen C2931072, MONDO:0009181, OMIM 226670.
Epidermolysis bullosa simplex, Ogna type (EBS5A). Also called: Pidermolysis bullosa simplex 5A, Ogna type; EPIDERMOLYSIS BULLOSA SIMPLEX 5A, OGNA TYPE. Identifiers: Orphanet 79401, MedGen C0432317, MONDO:0007555, OMIM 131950.
Autosomal recessive limb-girdle muscular dystrophy type 2Q (LGMDR17). Also called: MUSCULAR DYSTROPHY, LIMB-GIRDLE, AUTOSOMAL RECESSIVE 17. Identifiers: Orphanet 254361, MedGen C3150989, MONDO:0013390, OMIM 613723.
Epidermolysis bullosa simplex with nail dystrophy (EBS5D). Identifiers: MedGen C4225309, MONDO:0014661, OMIM 616487.

Allele frequency attached by ClinVar (database versions not stated): gnomAD exomes below 0.00001 and 0.00001; gnomAD 0.00001; ExAC 0.00002; TOPMed 0.00002.
gnomAD v4.1: 4 of 1,597,458 alleles (0.00025%); highest among the groups gnomAD compares: Admixed American, 0.0017%; no homozygotes.

Submission:

Labcorp Genetics (formerly Invitae), Labcorp
Classification: Uncertain significance for Autosomal recessive limb-girdle muscular dystrophy type 2Q; Epidermolysis bullosa simplex, Ogna type; Epidermolysis bullosa simplex with nail dystrophy; Epidermolysis bullosa simplex 5C, with pyloric atresia; Epidermolysis bullosa simplex 5B, with muscular dystrophy. Last evaluated: 2025-01-15. Review status: criteria provided, single submitter. Criteria: Invitae Variant Classification Sherloc (09022015). Collection method: clinical testing. Allele origin: germline.
Comment: This sequence change replaces isoleucine, which is neutral and non-polar, with valine, which is neutral and non-polar, at codon 1260 of the PLEC protein (p.Ile1260Val). This variant is present in population databases (rs782317491, gnomAD 0.003%). This variant has not been reported in the literature in individuals affected with PLEC-related conditions. ClinVar contains an entry for this variant (Variation ID: 950503). Invitae Evidence Modeling of protein sequence and biophysical properties (such as structural, functional, and spatial information, amino acid conservation, physicochemical variation, residue mobility, and thermodynamic stability) indicates that this missense variant is not expected to disrupt PLEC protein function with a negative predictive value of 80%. In summary, the available evidence is currently insufficient to determine the role of this variant in disease. Therefore, it has been classified as a Variant of Uncertain Significance.

NM_201384.3(PLEC):c.3697A>G (p.Ile1233Val)

Gene: PLEC (plectin; minus strand). Cytogenetic location: 8q24.3.
Variant type: single nucleotide variant.
Coding change: c.3697A>G on transcript NM_201384.3 (MANE Select); coding-DNA position 3697, A replaced by G.
Protein change: p.Ile1233Val; replaces isoleucine 1233 with valine.
Molecular consequence: missense variant.
Genome position (GRCh38, 1-based): chr8:143,927,469, T>C on the plus strand (A>G on the coding strand, the complement: PLEC is on the minus strand). VCF-style: chr8-143927469-T-C. GRCh37 (hg19) VCF-style: chr8-145001637-T-C.
Other names: c.3778A>G, p.Ile1260Val (NM_000445.5); c.3655A>G, p.Ile1219Val (NM_201378.4); c.3631A>G, p.Ile1211Val (NM_201379.3); c.4108A>G, p.Ile1370Val (NM_201380.4); c.3601A>G, p.Ile1201Val (NM_201381.3); c.3697A>G, p.Ile1233Val (NM_201382.4); c.3709A>G, p.Ile1237Val (NM_201383.3); short protein forms I1260V, I1370V, I1233V, I1237V, I1201V, I1211V, I1219V.
Identifiers: ClinVar variation 950503 (VCV000950503.7), dbSNP rs782317491, ClinGen allele CA4926982.